The following is an entry in ClinVar:

ClinVar aggregate classification (germline): Likely benign (1 of 4 stars; one submission).

Allele frequency attached by ClinVar (database versions not stated): TOPMed 0.00016; ExAC 0.00010; gnomAD exomes 0.00012; gnomAD 0.00014.
gnomAD v4.1: 190 of 1,611,570 alleles (0.012%); highest among the groups gnomAD compares: Middle Eastern, 0.017%; no homozygotes.

Submission:

CeGaT Center for Human Genetics Tuebingen
Classification: Likely benign. Last evaluated: 2023-03-01. Review status: criteria provided, single submitter. Criteria: CeGaT Center For Human Genetics Tuebingen Variant Classification Criteria Version 2. Collection method: clinical testing. Allele origin: germline. Affected: yes. Observed: 1 variant allele.
Comment: WDR90: BP4, BP7

NM_145294.5(WDR90):c.3060C>T (p.Gly1020=)

Gene: WDR90 (WD repeat domain 90; plus strand). Cytogenetic location: 16p13.3.
Variant type: single nucleotide variant.
Coding change: c.3060C>T on transcript NM_145294.5 (MANE Select); coding-DNA position 3060, C replaced by T.
Protein change: p.Gly1020=; no amino-acid change (glycine 1020 retained).
Molecular consequence: synonymous variant.
Genome position (GRCh38, 1-based): chr16:659,252, C>T. VCF-style: chr16-659252-C-T. GRCh37 (hg19) VCF-style: chr16-709252-C-T.
Identifiers: ClinVar variation 2645839 (VCV002645839.24), dbSNP rs761505380, ClinGen allele CA7783767.